The following is an entry in ClinVar:

NM_015046.7(SETX):c.2935G>A (p.Asp979Asn)

Gene: SETX (senataxin; minus strand). Cytogenetic location: 9q34.13.
Variant type: single nucleotide variant.
Coding change: c.2935G>A on transcript NM_015046.7 (MANE Select); coding-DNA position 2935, G replaced by A.
Protein change: p.Asp979Asn; replaces aspartic acid 979 with asparagine.
Molecular consequence: missense variant.
Genome position (GRCh38, 1-based): chr9:132,328,663, C>T on the plus strand (G>A on the coding strand, the complement: SETX is on the minus strand). VCF-style: chr9-132328663-C-T. GRCh37 (hg19) VCF-style: chr9-135204050-C-T.
Other names: c.2935G>A, p.Asp979Asn (NM_001351527.2, NM_001351528.2); short protein forms D979N.
Identifiers: ClinVar variation 1369785 (VCV001369785.13), dbSNP rs138287942, ClinGen allele CA5297510.
Genomic context (GRCh38, chr9:132,328,663, plus strand): 5'-TGAAACATCTTTTATCTTCTTTTACTTTCCTTTGCAGCTGCGATGAGTTCTGAGGTGAAT[C>T]GGATGGGAACGTAATAACACTGGCTTGAGCTAGTAAAGATAATTTGTGAAGGTCTCTGTC-3'
Protein context (NP_055861.3, residues 969-989): AQASVITFPS[Asp979Asn]SPQNSSQLQR

ClinVar aggregate classification (germline): Conflicting classifications of pathogenicity. Review status: criteria provided, conflicting classifications (1 of 4 stars). 7 submissions from 6 submitters: Uncertain significance (6); Benign (1). Last evaluated 2025-07-30.

Conditions:
Spinocerebellar ataxia, autosomal recessive, with axonal neuropathy 2 (SCAN2). Also called: Ataxia-ocular apraxia-2; Ataxia with Oculomotor Apraxia Type 2; ATAXIA-OCULOMOTOR APRAXIA 2; Ataxia with Oculomotor Apraxia. Identifiers: Orphanet 64753, MedGen C1853761, MONDO:0018996, OMIM 606002.
Amyotrophic lateral sclerosis type 4 (ALS4). Also called: NEURONOPATHY, DISTAL HEREDITARY MOTOR, WITH PYRAMIDAL FEATURES; AMYOTROPHIC LATERAL SCLEROSIS 4, JUVENILE. Identifiers: Orphanet 357043, MedGen C1865409, MONDO:0011223, OMIM 602433.
Inborn genetic diseases. Identifiers: MedGen C0950123, MeSH D030342.
SETX-related disorder. Also called: SETX-related disorders; SETX-related condition. Identifiers: MedGen CN239403.

Allele frequency attached by ClinVar (database versions not stated): gnomAD 0.00004; gnomAD exomes 0.00004; TOPMed 0.00004; ExAC 0.00006; ESP Exome Variant Server 0.00008.
gnomAD v4.1: 70 of 1,613,032 alleles (0.0043%); highest among the groups gnomAD compares: Non-Finnish European, 0.0053%; no homozygotes.

Submissions (7):

PreventionGenetics, part of Exact Sciences
Classification: Uncertain significance for SETX-related condition. Last evaluated: 2025-07-30. Review status: criteria provided, single submitter. Criteria: ACMG Guidelines, 2015. Collection method: clinical testing. Allele origin: germline.
Comment: The SETX c.2935G>A variant is predicted to result in the amino acid substitution p.Asp979Asn. To our knowledge, this variant has not been reported in the literature. This variant is reported in 0.012% of alleles in individuals of African descent in gnomAD. At this time, the clinical significance of this variant is uncertain due to the absence of conclusive functional and genetic evidence.

Labcorp Genetics (formerly Invitae), Labcorp
Classification: Benign for Amyotrophic lateral sclerosis type 4; Spinocerebellar ataxia, autosomal recessive, with axonal neuropathy 2. Last evaluated: 2025-04-27. Review status: criteria provided, single submitter. Criteria: Invitae Variant Classification Sherloc (09022015). Collection method: clinical testing. Allele origin: germline.

GeneDx
Classification: Uncertain significance. Last evaluated: 2024-08-13. Review status: criteria provided, single submitter. Criteria: GeneDx Variant Classification Process June 2021. Collection method: clinical testing. Allele origin: germline. Affected: yes.
Comment: In silico analysis indicates that this missense variant does not alter protein structure/function; Has not been previously published as pathogenic or benign to our knowledge

Ambry Genetics
Classification: Uncertain significance for Inborn genetic diseases. Last evaluated: 2023-07-06. Review status: criteria provided, single submitter. Criteria: Ambry Variant Classification Scheme 2023. Collection method: clinical testing. Allele origin: germline.
Comment: Unkely to be causative of SETX-related juvenile amyotrophic lateral sclerosis (AD) Based on insufficient or conflicting evidence, the clinical significance of this alteration remains unclear.

Genome-Nilou Lab
Classification: Uncertain significance for Spinocerebellar ataxia, autosomal recessive, with axonal neuropathy 2. Last evaluated: 2023-02-08. Review status: criteria provided, single submitter. Criteria: ACMG Guidelines, 2015. Collection method: clinical testing. Allele origin: germline.

Genome-Nilou Lab
Classification: Uncertain significance for Amyotrophic lateral sclerosis type 4. Last evaluated: 2023-02-08. Review status: criteria provided, single submitter. Criteria: ACMG Guidelines, 2015. Collection method: clinical testing. Allele origin: germline.

Athena Diagnostics
Classification: Uncertain significance. Last evaluated: 2021-08-05. Review status: criteria provided, single submitter. Criteria: Athena Diagnostics Criteria. Collection method: clinical testing. Allele origin: unknown.